The following is an entry in ClinVar:

ClinVar aggregate classification (germline): Likely benign. Review status: criteria provided, multiple submitters, no conflicts (2 of 4 stars). 5 submissions from 5 submitters: Likely benign (5). Last evaluated 2025-12-01.

Conditions:
Intellectual disability. Also called: Intellectual developmental disorder; Intellectual functioning disability; intellectual disabilities. Identifiers: MedGen C3714756, MeSH D008607, MONDO:0001071, HP:0001249.
Inborn genetic diseases. Identifiers: MedGen C0950123, MeSH D030342.

Allele frequency attached by ClinVar (database versions not stated): ExAC 0.00007; gnomAD exomes 0.00007; gnomAD 0.00013.
gnomAD v4.1: 160 of 1,614,076 alleles (0.0099%); highest among the groups gnomAD compares: Non-Finnish European, 0.013%; no homozygotes.

Submissions (5):

Labcorp Genetics (formerly Invitae), Labcorp
Classification: Likely benign. Last evaluated: 2025-12-01. Review status: criteria provided, single submitter. Criteria: Invitae Variant Classification Sherloc (09022015). Collection method: clinical testing. Allele origin: germline.

CeGaT Center for Human Genetics Tuebingen
Classification: Likely benign. Last evaluated: 2025-09-01. Review status: criteria provided, single submitter. Criteria: CeGaT Center For Human Genetics Tuebingen Variant Classification Criteria Version 2. Collection method: clinical testing. Allele origin: germline. Affected: yes. Observed: 1 variant allele.
Comment: KMT2A: BP4, BS2

Ambry Genetics
Classification: Likely benign for Inborn genetic diseases. Last evaluated: 2022-11-21. Review status: criteria provided, single submitter. Criteria: Ambry Variant Classification Scheme 2023. Collection method: clinical testing. Allele origin: germline.

Cambridge Genomics Laboratory, East Genomic Laboratory Hub, NHS Genomic Medicine Service
Classification: Likely benign for Intellectual disability. Last evaluated: 2020-05-29. Review status: criteria provided, single submitter. Criteria: ACGS Best Practice Guidelines for Variant Classification in Rare Disease 2020. Collection method: clinical testing. Allele origin: germline. Affected: yes. Observed: 1 variant allele.

GeneDx
Classification: Likely benign. Last evaluated: 2019-12-13. Review status: criteria provided, single submitter. Criteria: GeneDx Variant Classification Process June 2021. Collection method: clinical testing. Allele origin: germline. Affected: yes.

NM_001197104.2(KMT2A):c.7787T>C (p.Val2596Ala)

Gene: KMT2A (lysine methyltransferase 2A; plus strand). Cytogenetic location: 11q23.3.
Variant type: single nucleotide variant.
Coding change: c.7787T>C on transcript NM_001197104.2 (MANE Select); coding-DNA position 7787, T replaced by C.
Protein change: p.Val2596Ala; replaces valine 2596 with alanine.
Molecular consequence: missense variant.
Genome position (GRCh38, 1-based): chr11:118,503,679, T>C. VCF-style: chr11-118503679-T-C. GRCh37 (hg19) VCF-style: chr11-118374394-T-C.
Other names: c.7778T>C, p.Val2593Ala (NM_005933.4); short protein forms V2593A, V2596A.
Identifiers: ClinVar variation 1194400 (VCV001194400.19), dbSNP rs781809969, ClinGen allele CA6304435.
Genomic context (GRCh38, chr11:118,503,679, plus strand): 5'-CAAGCCCCAATAATACCTCATGCCAGGATTCTCAAAGTAACAACTATCAGAATCTTCCAG[T>C]ACAGGACAGAAACCTAATGCTTCCAGATGGCCCCAAACCTCAGGAGGATGGCTCTTTTAA-3'
Protein context (NP_001184033.1, residues 2586-2606): SQSNNYQNLP[Val2596Ala]QDRNLMLPDG